The following is an entry in ClinVar:

ClinVar aggregate classification (germline): Pathogenic (1 of 4 stars; one submission).

Conditions:
Hereditary cancer-predisposing syndrome. Also called: Hereditary neoplastic syndrome; Neoplastic Syndromes, Hereditary; Hereditary Cancer Syndrome; Tumor predisposition. Identifiers: Orphanet 140162, MedGen C0027672, MeSH D009386, MONDO:0015356.

Submission:

Labcorp Genetics (formerly Invitae), Labcorp
Classification: Pathogenic for Hereditary cancer-predisposing syndrome. Last evaluated: 2021-10-06. Review status: criteria provided, single submitter. Criteria: Invitae Variant Classification Sherloc (09022015). Collection method: clinical testing. Allele origin: germline.
Comment: For these reasons, this variant has been classified as Pathogenic. Loss-of-function variants in RAD50 are known to be pathogenic (PMID: 16385572, 19409520). This variant has not been reported in the literature in individuals with RAD50-related conditions. This variant is not present in population databases (ExAC no frequency). This sequence change creates a premature translational stop signal (p.Ile482Lysfs*6) in the RAD50 gene. It is expected to result in an absent or disrupted protein product.

Literature cited by the submitters: PubMed 16385572; PubMed 19409520.

NM_005732.4(RAD50):c.1445delinsAACTTACC (p.Ile482fs)

Gene: RAD50 (RAD50 double strand break repair protein; plus strand). Cytogenetic location: 5q31.1.
Variant type: Indel.
Coding change: c.1445delinsAACTTACC on transcript NM_005732.4 (MANE Select); coding-DNA position 1445, T replaced by AACTTACC.
Protein change: p.Ile482fs; shifts the reading frame from isoleucine 482.
Molecular consequence: frameshift variant.
Genome position (GRCh38, 1-based): chr5:132,589,830, T replaced by AACTTACC. VCF-style: chr5-132589830-T-AACTTACC. GRCh37 (hg19) VCF-style: chr5-131925522-T-AACTTACC.
Other names: short protein forms I482fs.
Identifiers: ClinVar variation 965366 (VCV000965366.6), dbSNP rs1750667505, ClinGen allele CA1139659058.